The following is an entry in ClinVar:

ClinVar aggregate classification (germline): Uncertain significance (1 of 4 stars; one submission).

Conditions:
Nephronophthisis. Also called: Juvenile Nephronophthisis. Identifiers: Orphanet 655, MedGen C0687120, MONDO:0019005, HP:0000090.

Allele frequency attached by ClinVar (database versions not stated): gnomAD exomes below 0.00001; gnomAD 0.00001; TOPMed 0.00001.
gnomAD v4.1: 6 of 1,369,156 alleles (0.00044%); highest among the groups gnomAD compares: South Asian, 0.0012%; no homozygotes.

Submission:

Labcorp Genetics (formerly Invitae), Labcorp
Classification: Uncertain significance for Nephronophthisis. Last evaluated: 2023-08-24. Review status: criteria provided, single submitter. Criteria: Invitae Variant Classification Sherloc (09022015). Collection method: clinical testing. Allele origin: germline.
Comment: In summary, the available evidence is currently insufficient to determine the role of this variant in disease. Therefore, it has been classified as a Variant of Uncertain Significance. Algorithms developed to predict the effect of sequence changes on RNA splicing suggest that this variant may disrupt the consensus splice site. This variant has not been reported in the literature in individuals affected with NPHP1-related conditions. This variant is present in population databases (no rsID available, gnomAD 0.007%). This sequence change falls in intron 13 of the NPHP1 gene. It does not directly change the encoded amino acid sequence of the NPHP1 protein.

NM_001128178.3(NPHP1):c.1269+17A>G

Gene: NPHP1 (nephrocystin 1; minus strand). Cytogenetic location: 2q13.
Variant type: single nucleotide variant.
Coding change: c.1269+17A>G on transcript NM_001128178.3 (MANE Select); 17 bases into the intron after coding-DNA position 1269, A replaced by G.
Molecular consequence: intron variant.
Genome position (GRCh38, 1-based): chr2:110,147,899, T>C on the plus strand (A>G on the coding strand, the complement: NPHP1 is on the minus strand). VCF-style: chr2-110147899-T-C. GRCh37 (hg19) VCF-style: chr2-110905476-T-C.
Other names: c.1080+17A>G (NM_001128179.3); c.1266+17A>G (NM_001374256.1); c.1269+17A>G (NM_001374257.1); c.1434+17A>G (NM_207181.4); c.1437+17A>G (NM_000272.5).
Identifiers: ClinVar variation 3019927 (VCV003019927.1), dbSNP rs1269713401, ClinGen allele CA535161165.